The following is an entry in ClinVar:

ClinVar aggregate classification (germline): Uncertain significance (1 of 4 stars; one submission).

Conditions:
MHC class I deficiency. Identifiers: Orphanet 34592, MedGen C6024714, MONDO:0011476.

Submission:

Labcorp Genetics (formerly Invitae), Labcorp
Classification: Uncertain significance for MHC class I deficiency 1. Last evaluated: 2022-12-23. Review status: criteria provided, single submitter. Criteria: Invitae Variant Classification Sherloc (09022015). Collection method: clinical testing. Allele origin: germline.
Comment: This variant is not present in population databases (gnomAD no frequency). In summary, the available evidence is currently insufficient to determine the role of this variant in disease. Therefore, it has been classified as a Variant of Uncertain Significance. Algorithms developed to predict the effect of missense changes on protein structure and function are either unavailable or do not agree on the potential impact of this missense change (SIFT: "Deleterious"; PolyPhen-2: "Probably Damaging"; Align-GVGD: "Class C0"). This variant has not been reported in the literature in individuals affected with TAPBP-related conditions. This sequence change replaces arginine, which is basic and polar, with tryptophan, which is neutral and slightly polar, at codon 81 of the TAPBP protein (p.Arg81Trp).

NM_003190.5(TAPBP):c.241C>T (p.Arg81Trp)

Gene: TAPBP (TAP binding protein; minus strand). Cytogenetic location: 6p21.32.
Variant type: single nucleotide variant.
Coding change: c.241C>T on transcript NM_003190.5 (MANE Select); coding-DNA position 241, C replaced by T.
Protein change: p.Arg81Trp; replaces arginine 81 with tryptophan.
Molecular consequence: missense variant. On other transcripts: intron variant (1).
Genome position (GRCh38, 1-based): chr6:33,313,445, G>A on the plus strand (C>T on the coding strand, the complement: TAPBP is on the minus strand). VCF-style: chr6-33313445-G-A. GRCh37 (hg19) VCF-style: chr6-33281222-G-A.
Other names: c.241C>T, p.Arg81Trp (NM_001410875.1, NM_172208.3); c.208+249C>T (NM_172209.3); short protein forms R81W.
Identifiers: ClinVar variation 2823554 (VCV002823554.3), dbSNP rs765085409, ClinGen allele CA363621389.
Genomic context (GRCh38, chr6:33,313,445, plus strand): 5'-CGGGGAGAGGCACGAAGCGGCTCATCTCGCAGTGTGGTGCGGGGGCGCCCCGGGGATACC[G>A]CCTGAAGGCAGCCTGGAGGGCGCCCGCGGGGTCTGAGTGTAGAGAAGGAAGTTGCAGCTG-3'
Protein context (NP_003181.3, residues 71-91): PAGALQAAFR[Arg81Trp]YPRGAPAPHC